The following is an entry in ClinVar:

NM_015506.3(MMACHC):c.449_452dup (p.Pro152fs)

Gene: MMACHC (metabolism of cobalamin associated C; plus strand). Cytogenetic location: 1p34.1.
Variant type: Duplication.
Coding change: c.449_452dup on transcript NM_015506.3 (MANE Select); coding-DNA positions 449 to 452, 4 bases duplicated (TACA; older notation c.449_452dupTACA).
Protein change: p.Pro152fs; shifts the reading frame from proline 152.
Molecular consequence: frameshift variant.
Genome position (GRCh38, 1-based): chr1:45,508,815-45,508,818, TACA duplicated; duplicating any 4 consecutive bases within chr1:45,508,813-45,508,818 gives the same sequence; the c. name uses the placement nearest the transcript's 3' end. VCF-style (leftmost placement, unchanged base first): chr1-45508812-G-GCATA. GRCh37 (hg19) VCF-style: chr1-45974484-G-GCATA.
Other names: c.278_281dup, p.Pro95fs (NM_001330540.2); short protein forms P152fs, P95fs.
Identifiers: ClinVar variation 2864862 (VCV002864862.3), dbSNP rs2522826850, ClinGen allele CA2739272546.

ClinVar aggregate classification (germline): Pathogenic (1 of 4 stars; one submission).

Conditions:
Cobalamin C disease. Also called: methylmalonic aciduria and homocystinuria type cblC; Cobalamin-C methylmalonic acidemia and homocystinuria; Methylmalonic acidemia and homocystinuria cblC type; Methylmalonic aciduria with homocystinuria cblC type; Methylmalonic aciduria and homocystinuria, Vitamin B12-responsive; Vitamin B12 metabolic defect with combined deficiency of methylmalonyl-CoA mutase and homocysteine:methyltetrahydrofolate methyltransferase. Identifiers: Orphanet 26, Orphanet 79282, MedGen C1848561, MONDO:0010184, OMIM 277400.

Submission:

Labcorp Genetics (formerly Invitae), Labcorp
Classification: Pathogenic for Cobalamin C disease. Last evaluated: 2023-05-16. Review status: criteria provided, single submitter. Criteria: Invitae Variant Classification Sherloc (09022015). Collection method: clinical testing. Allele origin: germline.
Comment: For these reasons, this variant has been classified as Pathogenic. This variant disrupts a region of the MMACHC protein in which other variant(s) (p.Tyr222*) have been determined to be pathogenic (PMID: 16311595, 19767224, 30157807). This suggests that this is a clinically significant region of the protein, and that variants that disrupt it are likely to be disease-causing. This variant has not been reported in the literature in individuals affected with MMACHC-related conditions. This variant is not present in population databases (gnomAD no frequency). This sequence change creates a premature translational stop signal (p.Pro152Thrfs*31) in the MMACHC gene. While this is not anticipated to result in nonsense mediated decay, it is expected to disrupt the last 131 amino acid(s) of the MMACHC protein.

Literature cited by the submitters: PubMed 16311595; PubMed 19767224; PubMed 30157807.